The following is an entry in ClinVar:

ClinVar aggregate classification (germline): Likely benign. Review status: criteria provided, multiple submitters, no conflicts (2 of 4 stars). 2 submissions from 2 submitters: Likely benign (2). Last evaluated 2025-07-06.

Conditions:
Autosomal recessive limb-girdle muscular dystrophy type 2J (LGMDR10). Also called: Limb-girdle muscular dystrophy, type 2J; MUSCULAR DYSTROPHY, LIMB-GIRDLE, AUTOSOMAL RECESSIVE 10. Identifiers: Orphanet 140922, MedGen C1837342, MONDO:0012127, OMIM 608807.
Dilated cardiomyopathy 1G (CMD1G). Identifiers: Orphanet 154, MedGen C1858763, MONDO:0011400, OMIM 604145.

Allele frequency attached by ClinVar (database versions not stated): gnomAD exomes below 0.00001 and 0.00001; TOPMed below 0.00001; ExAC 0.00002.
gnomAD v4.1: 5 of 1,613,610 alleles (0.00031%); highest among the groups gnomAD compares: South Asian, 0.0033%; no homozygotes.

Submissions (2):

Labcorp Genetics (formerly Invitae), Labcorp
Classification: Likely benign for Dilated cardiomyopathy 1G; Autosomal recessive limb-girdle muscular dystrophy type 2J. Last evaluated: 2025-07-06. Review status: criteria provided, single submitter. Criteria: Invitae Variant Classification Sherloc (09022015). Collection method: clinical testing. Allele origin: germline.

Laboratory for Molecular Medicine, Mass General Brigham Personalized Medicine
Classification: Likely benign. Last evaluated: 2015-03-11. Review status: criteria provided, single submitter. Criteria: LMM Criteria. Collection method: clinical testing. Allele origin: germline. Observed: 1 variant allele.
Comment: p.Val8259Val in exon 96 of TTN: This variant is not expected to have clinical si gnificance because it does not alter an amino acid residue and is not located wi thin the splice consensus sequence. It has been identified in 2/16476 South Asia n chromosomes by the Exome Aggregation Consortium (ExAC).

NM_001267550.2(TTN):c.28509A>G (p.Val9503=)

Gene: TTN (titin; minus strand). Cytogenetic location: 2q31.2.
Variant type: single nucleotide variant.
Coding change: c.28509A>G on transcript NM_001267550.2 (MANE Select); coding-DNA position 28509, A replaced by G.
Protein change: p.Val9503=; no amino-acid change (valine 9503 retained).
Molecular consequence: synonymous variant. On other transcripts: intron variant (3).
Genome position (GRCh38, 1-based): chr2:178,709,810, T>C on the plus strand (A>G on the coding strand, the complement: TTN is on the minus strand). VCF-style: chr2-178709810-T-C. GRCh37 (hg19) VCF-style: chr2-179574537-T-C.
Other names: c.24777A>G, p.Val8259= (NM_133378.4); c.27558A>G, p.Val9186= (NM_001256850.1); c.13282+28272A>G (NM_003319.4); c.13858+28272A>G (NM_133437.4); c.13657+28272A>G (NM_133432.3).
Identifiers: ClinVar variation 228073 (VCV000228073.13), dbSNP rs756229382, ClinGen allele CA1999576.